The following is an entry in ClinVar:

NM_001927.4(DES):c.32T>C (p.Val11Ala)

Gene: DES (desmin; plus strand). Cytogenetic location: 2q35.
Variant type: single nucleotide variant.
Coding change: c.32T>C on transcript NM_001927.4 (MANE Select); coding-DNA position 32, T replaced by C.
Protein change: p.Val11Ala; replaces valine 11 with alanine.
Molecular consequence: missense variant.
Genome position (GRCh38, 1-based): chr2:219,418,494, T>C. VCF-style: chr2-219418494-T-C. GRCh37 (hg19) VCF-style: chr2-220283216-T-C.
Other names: c.32T>C, p.Val11Ala (NM_001382708.1, NM_001382709.1, NM_001382710.1 and 3 more transcripts); short protein forms V11A.
Identifiers: ClinVar variation 2945438 (VCV002945438.4), dbSNP rs2545245505, ClinGen allele CA350682212.

ClinVar aggregate classification (germline): Uncertain significance. Review status: criteria provided, multiple submitters, no conflicts (2 of 4 stars). 2 submissions from 2 submitters: Uncertain significance (2). Last evaluated 2024-01-10.

Conditions:
Desmin-related myofibrillar myopathy (MFM1). Also called: MYOFIBRILLAR MYOPATHY WITH ARRHYTHMOGENIC RIGHT VENTRICULAR CARDIOMYOPATHY; DESMIN-RELATED MYOPATHY WITH ARRHYTHMOGENIC RIGHT VENTRICULAR CARDIOMYOPATHY; Myofibrillar myopathy 1; Desminopathy; Desmin related myopathy (former name); Desmin storage myopathy (former name). Identifiers: Orphanet 363543, Orphanet 98909, MedGen C1832370, MONDO:0011076, OMIM 601419.

Submissions (2):

Blueprint Genetics
Classification: Uncertain significance. Last evaluated: 2024-01-10. Review status: criteria provided, single submitter. Criteria: ACMG Guidelines, 2015. Collection method: clinical testing. Allele origin: germline.

Labcorp Genetics (formerly Invitae), Labcorp
Classification: Uncertain significance for Desmin-related myofibrillar myopathy. Last evaluated: 2023-03-18. Review status: criteria provided, single submitter. Criteria: Invitae Variant Classification Sherloc (09022015). Collection method: clinical testing. Allele origin: germline.
Comment: This variant has not been reported in the literature in individuals affected with DES-related conditions. This variant is not present in population databases (gnomAD no frequency). This sequence change replaces valine, which is neutral and non-polar, with alanine, which is neutral and non-polar, at codon 11 of the DES protein (p.Val11Ala). Advanced modeling of protein sequence and biophysical properties (such as structural, functional, and spatial information, amino acid conservation, physicochemical variation, residue mobility, and thermodynamic stability) has been performed at Invitae for this missense variant, however the output from this modeling did not meet the statistical confidence thresholds required to predict the impact of this variant on DES protein function. In summary, the available evidence is currently insufficient to determine the role of this variant in disease. Therefore, it has been classified as a Variant of Uncertain Significance.